The following is an entry in ClinVar:

NM_000702.4(ATP1A2):c.2861G>A (p.Gly954Glu)

Gene: ATP1A2 (ATPase Na+/K+ transporting subunit alpha 2; plus strand). Cytogenetic location: 1q23.2.
Variant type: single nucleotide variant.
Coding change: c.2861G>A on transcript NM_000702.4 (MANE Select); coding-DNA position 2861, G replaced by A.
Protein change: p.Gly954Glu; replaces glycine 954 with glutamic acid.
Molecular consequence: missense variant.
Genome position (GRCh38, 1-based): chr1:160,139,660, G>A. VCF-style: chr1-160139660-G-A. GRCh37 (hg19) VCF-style: chr1-160109450-G-A.
Other names: short protein forms G954E.
Identifiers: ClinVar variation 5008256 (VCV005008256.1).

ClinVar aggregate classification (germline): Uncertain significance (1 of 4 stars; one submission).

Submission:

GeneDx
Classification: Uncertain significance. Last evaluated: 2026-03-11. Review status: criteria provided, single submitter. Criteria: GeneDx Variant Classification Process June 2021. Collection method: clinical testing. Allele origin: germline.
Comment: Not observed at significant frequency in large population cohorts (gnomAD); In silico analysis supports that this missense variant has a deleterious effect on protein structure/function; Has not been previously published as pathogenic or benign to our knowledge